The following is an entry in ClinVar:

ClinVar aggregate classification (germline): Pathogenic (1 of 4 stars; one submission).

Conditions:
Hereditary cancer-predisposing syndrome. Also called: Neoplastic Syndromes, Hereditary; Tumor predisposition; Hereditary Cancer Syndrome; Hereditary neoplastic syndrome. Identifiers: Orphanet 140162, MedGen C0027672, MeSH D009386, MONDO:0015356.

Submission:

Ambry Genetics
Classification: Pathogenic for Hereditary cancer-predisposing syndrome. Last evaluated: 2020-04-23. Review status: criteria provided, single submitter. Criteria: Ambry Variant Classification Scheme 2023. Collection method: clinical testing. Allele origin: germline.
Comment: The c.1791delA variant, located in coding exon 9 of the BRCA1 gene, results from a deletion of one nucleotide at nucleotide position 1791, causing a translational frameshift with a predicted alternate stop codon (p.E597Dfs*2). This alteration is expected to result in loss of function by premature protein truncation or nonsense-mediated mRNA decay. As such, this alteration is interpreted as a disease-causing mutation.

NM_007294.4(BRCA1):c.1791del (p.Glu597fs)

Gene: BRCA1 (BRCA1 DNA repair associated; minus strand). Cytogenetic location: 17q21.31.
Variant type: Deletion.
Coding change: c.1791del on transcript NM_007294.4 (MANE Select); coding-DNA position 1791, one base deleted (A; older notation c.1791delA).
Protein change: p.Glu597fs; shifts the reading frame from glutamic acid 597.
Molecular consequence: frameshift variant. On other transcripts: intron variant (137).
Genome position (GRCh38, 1-based): chr17:43,093,740, T deleted on the plus strand (A on the coding strand, the reverse complement: BRCA1 is on the minus strand); the first of 2 consecutive T bases (chr17:43,093,740-43,093,741); deleting either gives the same sequence. VCF-style (leftmost placement, unchanged base first): chr17-43093739-AT-A. GRCh37 (hg19) VCF-style: chr17-41245756-AT-A.
Other names: c.1791del, p.Glu597fs (NM_001407583.1, NM_001407585.1, NM_001407581.1 and 30 more transcripts); c.1788del, p.Glu596fs (NM_001407587.1, NM_001407590.1, NM_001407591.1 and 22 more transcripts); c.1578del, p.Glu526fs (NM_001407571.1, NM_001407853.1, NM_001407894.1 and 9 more transcripts); c.1782del, p.Glu594fs (NM_001407646.1, NM_001407647.1); c.1668del, p.Glu556fs (NM_001407648.1, NM_001407664.1, NM_001407665.1 and 19 more transcripts); c.1665del, p.Glu555fs (NM_001407649.1, NM_001407670.1, NM_001407671.1 and 11 more transcripts); c.1713del, p.Glu571fs (NM_001407653.1, NM_001407654.1, NM_001407655.1 and 4 more transcripts); c.1710del, p.Glu570fs (NM_001407659.1, NM_001407660.1, NM_001407661.1 and 1 more transcripts); and 41 more; short protein forms E550fs, E597fs, E469fs, E485fs, E509fs, E301fs, E429fs, E530fs.
Identifiers: ClinVar variation 1780196 (VCV001780196.2), dbSNP rs2552198575, ClinGen allele CA2580094119.